The following is an entry in ClinVar:

ClinVar aggregate classification (germline): Conflicting classifications of pathogenicity. Review status: criteria provided, conflicting classifications (1 of 4 stars). 3 submissions from 3 submitters: Uncertain significance (1); Benign (1); Likely benign (1). Last evaluated 2022-03-24.

Conditions:
Cardiovascular phenotype. Identifiers: MedGen CN230736.

Submissions (3):

Blueprint Genetics
Classification: Likely benign. Last evaluated: 2022-03-24. Review status: criteria provided, single submitter. Criteria: ACMG Guidelines, 2015. Collection method: clinical testing. Allele origin: germline.

Ambry Genetics
Classification: Uncertain significance for Cardiovascular phenotype. Last evaluated: 2015-07-01. Review status: criteria provided, single submitter. Criteria: Ambry Variant Classification Scheme 2023. Collection method: clinical testing. Allele origin: germline.
Comment: The c.2692+13A>G intronic alteration consists of a A to G substitution 3 nucleotides after coding exon 11 in the KCNH2 gene. Based on insufficient or conflicting evidence, the clinical significance of this alteration remains unclear.

GeneDx
Classification: Benign. Last evaluated: 2015-04-10. Review status: criteria provided, single submitter. Criteria: GeneDx Variant Classification Process June 2021. Collection method: clinical testing. Allele origin: germline. Affected: yes.

NM_000238.4(KCNH2):c.2692+13A>G

Gene: KCNH2 (potassium voltage-gated channel subfamily H member 2; minus strand). Cytogenetic location: 7q36.1.
Variant type: single nucleotide variant.
Coding change: c.2692+13A>G on transcript NM_000238.4 (MANE Select); 13 bases into the intron after coding-DNA position 2692, A replaced by G.
Molecular consequence: intron variant.
Genome position (GRCh38, 1-based): chr7:150,948,431, T>C on the plus strand (A>G on the coding strand, the complement: KCNH2 is on the minus strand). VCF-style: chr7-150948431-T-C. GRCh37 (hg19) VCF-style: chr7-150645519-T-C.
Other names: c.2692+13A>G (NM_000238.3); c.1672+13A>G (NM_172057.3).
Identifiers: ClinVar variation 1237161 (VCV001237161.5), dbSNP rs761584506, ClinGen allele CA034296.